The following is an entry in ClinVar:

ClinVar aggregate classification (germline): Uncertain significance (1 of 4 stars; one submission).

Submission:

GeneDx
Classification: Uncertain significance. Last evaluated: 2024-03-21. Review status: criteria provided, single submitter. Criteria: GeneDx Variant Classification Process June 2021. Collection method: clinical testing. Allele origin: germline. Affected: yes.
Comment: Not observed at significant frequency in large population cohorts (gnomAD); In silico analysis supports that this missense variant has a deleterious effect on protein structure/function; In silico analysis supports a deleterious effect on splicing; Has not been previously published as pathogenic or benign to our knowledge

NM_020134.4(DPYSL5):c.1440G>T (p.Lys480Asn)

Gene: DPYSL5 (dihydropyrimidinase like 5; plus strand). Cytogenetic location: 2p23.3.
Variant type: single nucleotide variant.
Coding change: c.1440G>T on transcript NM_020134.4 (MANE Select); coding-DNA position 1440, G replaced by T.
Protein change: p.Lys480Asn; replaces lysine 480 with asparagine.
Molecular consequence: missense variant.
Genome position (GRCh38, 1-based): chr2:26,942,750, G>T. VCF-style: chr2-26942750-G-T. GRCh37 (hg19) VCF-style: chr2-27165618-G-T.
Other names: c.1440G>T, p.Lys480Asn (NM_001253723.2, NM_001253724.2); short protein forms K480N.
Identifiers: ClinVar variation 3371329 (VCV003371329.1).